The following is an entry in ClinVar:

ClinVar aggregate classification (germline): Uncertain significance. Review status: criteria provided, multiple submitters, no conflicts (2 of 4 stars). 2 submissions from 2 submitters: Uncertain significance (2). Last evaluated 2025-12-27.

Conditions:
Hereditary cancer-predisposing syndrome. Also called: Neoplastic Syndromes, Hereditary; Tumor predisposition; Hereditary Cancer Syndrome; Hereditary neoplastic syndrome. Identifiers: Orphanet 140162, MedGen C0027672, MeSH D009386, MONDO:0015356.

Submissions (2):

Ambry Genetics
Classification: Uncertain significance for Hereditary cancer-predisposing syndrome. Last evaluated: 2025-12-27. Review status: criteria provided, single submitter. Criteria: Ambry Variant Classification Scheme 2023. Collection method: clinical testing. Allele origin: germline.
Comment: The p.D855N variant (also known as c.2563G>A), located in coding exon 16 of the RAD50 gene, results from a G to A substitution at nucleotide position 2563. The aspartic acid at codon 855 is replaced by asparagine, an amino acid with highly similar properties. This amino acid position is conserved. In addition, this alteration is predicted to be tolerated by in silico analysis. Based on the available evidence, the clinical significance of this variant remains unclear.

Quest Diagnostics Nichols Institute San Juan Capistrano
Classification: Uncertain significance. Last evaluated: 2025-11-09. Review status: criteria provided, single submitter. Criteria: Quest Diagnostics criteria. Collection method: clinical testing. Allele origin: unknown.
Comment: The RAD50 c.2563G>A (p.Asp855Asn) variant has not been reported in individuals with RAD50-related conditions in the published literature. This variant also has not been reported in large, multi-ethnic general populations (Genome Aggregation Database). Analysis of this variant using bioinformatics tools for the prediction of the effect of amino acid changes on protein structure and function yielded predictions that this variant is benign. Based on the available information, we are unable to determine the clinical significance of this variant.

NM_005732.4(RAD50):c.2563G>A (p.Asp855Asn)

Gene: RAD50 (RAD50 double strand break repair protein; plus strand). Cytogenetic location: 5q31.1.
Variant type: single nucleotide variant.
Coding change: c.2563G>A on transcript NM_005732.4 (MANE Select); coding-DNA position 2563, G replaced by A.
Protein change: p.Asp855Asn; replaces aspartic acid 855 with asparagine.
Molecular consequence: missense variant.
Genome position (GRCh38, 1-based): chr5:132,604,844, G>A. VCF-style: chr5-132604844-G-A. GRCh37 (hg19) VCF-style: chr5-131940536-G-A.
Other names: short protein forms D855N.
Identifiers: ClinVar variation 4533094 (VCV004533094.2).